The following is an entry in ClinVar:

NM_017755.6(NSUN2):c.1240C>A (p.Pro414Thr)

Gene: NSUN2 (NOP2/Sun RNA methyltransferase 2; minus strand). Cytogenetic location: 5p15.31.
Variant type: single nucleotide variant.
Coding change: c.1240C>A on transcript NM_017755.6 (MANE Select); coding-DNA position 1240, C replaced by A.
Protein change: p.Pro414Thr; replaces proline 414 with threonine.
Molecular consequence: missense variant. On other transcripts: non-coding transcript variant (1).
Genome position (GRCh38, 1-based): chr5:6,609,909, G>T on the plus strand (C>A on the coding strand, the complement: NSUN2 is on the minus strand). VCF-style: chr5-6609909-G-T. GRCh37 (hg19) VCF-style: chr5-6610022-G-T.
Other names: c.1135C>A, p.Pro379Thr (NM_001193455.2); short protein forms P379T, P414T.
Identifiers: ClinVar variation 1254727 (VCV001254727.3), dbSNP rs2126480106, ClinGen allele CA359120450.

ClinVar aggregate classification (germline): Likely pathogenic (1 of 4 stars; one submission).

Allele frequency attached by ClinVar (database versions not stated): gnomAD exomes below 0.00001.
gnomAD v4.1: 1 of 1,610,170 alleles (0.000062%); highest among the groups gnomAD compares: Middle Eastern, 0.017%; no homozygotes.

Submission:

GeneDx
Classification: Likely pathogenic. Last evaluated: 2025-03-11. Review status: criteria provided, single submitter. Criteria: GeneDx Variant Classification Process June 2021. Collection method: clinical testing. Allele origin: germline. Affected: yes.
Comment: Not observed at significant frequency in large population cohorts (gnomAD); In silico analysis supports that this missense variant has a deleterious effect on protein structure/function; Has not been previously published as pathogenic or benign to our knowledge